The following is an entry in ClinVar:

NM_001243279.3(ACSF3):c.666+1G>A

Gene: ACSF3 (acyl-CoA synthetase family member 3; plus strand). Cytogenetic location: 16q24.3.
Variant type: single nucleotide variant.
Coding change: c.666+1G>A on transcript NM_001243279.3 (MANE Select); the canonical splice donor site of the intron after coding-DNA position 666, G replaced by A.
Molecular consequence: splice donor variant. On other transcripts: intron variant (1).
Genome position (GRCh38, 1-based): chr16:89,101,348, G>A. VCF-style: chr16-89101348-G-A. GRCh37 (hg19) VCF-style: chr16-89167756-G-A.
Other names: c.666+1G>A (NM_001127214.4, NM_174917.5, NM_174917.4); c.-129-1256G>A (NM_001284316.2).
Identifiers: ClinVar variation 1322759 (VCV001322759.10), dbSNP rs1336382616, ClinGen allele CA397136002.

ClinVar aggregate classification (germline): Pathogenic/Likely pathogenic. Review status: criteria provided, multiple submitters, no conflicts (2 of 4 stars). 3 submissions from 3 submitters: Pathogenic (1); Likely pathogenic (2). Last evaluated 2025-09-02.

Conditions:
Combined malonic and methylmalonic acidemia. Identifiers: Orphanet 289504, MedGen C3280314, MONDO:0013661, OMIM 614265.

Allele frequency attached by ClinVar (database versions not stated): gnomAD 0.00001; gnomAD exomes 0.00001 and 0.00002; TOPMed 0.00001.
gnomAD v4.1: 5 of 1,579,892 alleles (0.00032%); highest among the groups gnomAD compares: East Asian, 0.0046%; no homozygotes.

Submissions (3):

Natera, Inc.
Classification: Likely pathogenic for Combined malonic and methylmalonic aciduria. Last evaluated: 2025-09-02. Review status: criteria provided, single submitter. Criteria: Natera Variant Classification Schema (03/2026). Collection method: clinical testing. Allele origin: germline.
Comment: The c.666+1G>A variant in ACSF3 is a canonical splice donor site variant predicted to affect pre-mRNA splicing, which may result in an abnormal transcript and altered protein product. This variant is expected to result in nonsense mediated decay, truncation, or a dysfunctional protein product. This variant is rare in the general population with a frequency below the threshold expected for the associated phenotype(s). Given the available evidence, this variant is classified as Likely Pathogenic.

Labcorp Genetics (formerly Invitae), Labcorp
Classification: Likely pathogenic for Combined malonic and methylmalonic acidemia. Last evaluated: 2024-03-12. Review status: criteria provided, single submitter. Criteria: Invitae Variant Classification Sherloc (09022015). Collection method: clinical testing. Allele origin: germline.
Comment: This sequence change affects a donor splice site in intron 3 of the ACSF3 gene. It is expected to disrupt RNA splicing. Variants that disrupt the donor or acceptor splice site typically lead to a loss of protein function (PMID: 16199547), and loss-of-function variants in ACSF3 are known to be pathogenic (PMID: 21841779, 26827111). The frequency data for this variant in the population databases is considered unreliable, as metrics indicate poor data quality at this position in the gnomAD database. This variant has not been reported in the literature in individuals affected with ACSF3-related conditions. ClinVar contains an entry for this variant (Variation ID: 1322759). Algorithms developed to predict the effect of sequence changes on RNA splicing suggest that this variant may disrupt the consensus splice site. In summary, the currently available evidence indicates that the variant is pathogenic, but additional data are needed to prove that conclusively. Therefore, this variant has been classified as Likely Pathogenic.

Revvity Omics, Revvity
Classification: Pathogenic for Combined malonic and methylmalonic acidemia. Last evaluated: 2019-07-24. Review status: criteria provided, single submitter. Criteria: ACMG Guidelines, 2015. Collection method: clinical testing. Allele origin: germline.

Literature cited by the submitters: PubMed 16199547 (cited by Labcorp Genetics (formerly Invitae), Labcorp); PubMed 21841779 (cited by Labcorp Genetics (formerly Invitae), Labcorp); PubMed 26827111 (cited by Labcorp Genetics (formerly Invitae), Labcorp).